The following is an entry in ClinVar:

NM_004415.4(DSP):c.1006C>T (p.Leu336Phe)

Gene: DSP (desmoplakin; plus strand). Cytogenetic location: 6p24.3.
Variant type: single nucleotide variant.
Coding change: c.1006C>T on transcript NM_004415.4 (MANE Select); coding-DNA position 1006, C replaced by T.
Protein change: p.Leu336Phe; replaces leucine 336 with phenylalanine.
Molecular consequence: missense variant.
Genome position (GRCh38, 1-based): chr6:7,566,443, C>T. VCF-style: chr6-7566443-C-T. GRCh37 (hg19) VCF-style: chr6-7566676-C-T.
Other names: c.1006C>T, p.Leu336Phe (NM_001008844.3, NM_001319034.2); short protein forms L336F.
Identifiers: ClinVar variation 922693 (VCV000922693.5), dbSNP rs759818187, ClinGen allele CA026654.
Genomic context (GRCh38, chr6:7,566,443, plus strand): 5'-ATGAGTCAACTGGAAGTTAAAGAAAAAGAGCTCAATAAGCTGAAACAAGAAAGTGACCAA[C>T]TTGTCCTCAATCAGCATCCAGCTTCAGACAAAATTGAGGTAGGCTTCATGAGGTTTATAT-3'
Protein context (NP_004406.2, residues 326-346): LNKLKQESDQ[Leu336Phe]VLNQHPASDK

ClinVar aggregate classification (germline): Uncertain significance (1 of 4 stars; one submission).

Conditions:
Cardiomyopathy (CMYO). Also called: Cardiomyopathies. Identifiers: Orphanet 167848, MedGen C0878544, MONDO:0004994, HP:0001638. Inheritance: Various modes of inheritance.

Allele frequency attached by ClinVar (database versions not stated): gnomAD exomes below 0.00001; ExAC 0.00001.

Submission:

Color Diagnostics, LLC DBA Color Health
Classification: Uncertain significance for Cardiomyopathy. Last evaluated: 2023-12-05. Review status: criteria provided, single submitter. Criteria: ACMG Guidelines, 2015. Collection method: clinical testing. Allele origin: germline.
Comment: This missense variant replaces leucine with phenylalanine at codon 336 of the DSP protein. Computational prediction tools and conservation analyses suggest that this variant may have deleterious impact on the protein function. Computational splicing tools suggest that this variant may not impact RNA splicing. To our knowledge, functional assays have not been performed for this variant nor has this variant been reported in individuals affected with cardiovascular disorders in the literature. This variant has not been identified in the general population by the Genome Aggregation Database (gnomAD). Available evidence is insufficient to determine the role of this variant in disease conclusively. Therefore, this variant is classified as a Variant of Uncertain Significance.